The following is an entry in ClinVar:

ClinVar aggregate classification (germline): Likely benign (1 of 4 stars; one submission).

Allele frequency attached by ClinVar (database versions not stated): ExAC 0.00001; gnomAD exomes 0.00001; gnomAD 0.00004; TOPMed 0.00006.
gnomAD v4.1: 13 of 1,613,050 alleles (0.00081%); highest among the groups gnomAD compares: African/African-American, 0.011%; no homozygotes.

Submission:

CeGaT Center for Human Genetics Tuebingen
Classification: Likely benign. Last evaluated: 2022-11-01. Review status: criteria provided, single submitter. Criteria: CeGaT Center For Human Genetics Tuebingen Variant Classification Criteria Version 2. Collection method: clinical testing. Allele origin: germline. Affected: yes. Observed: 1 variant allele.
Comment: IVNS1ABP: BP4, BS1

NM_006469.5(IVNS1ABP):c.874G>A (p.Val292Ile)

Gene: IVNS1ABP (influenza virus NS1A binding protein; minus strand). Cytogenetic location: 1q25.3.
Variant type: single nucleotide variant.
Coding change: c.874G>A on transcript NM_006469.5 (MANE Select); coding-DNA position 874, G replaced by A.
Protein change: p.Val292Ile; replaces valine 292 with isoleucine.
Molecular consequence: missense variant.
Genome position (GRCh38, 1-based): chr1:185,301,455, C>T on the plus strand (G>A on the coding strand, the complement: IVNS1ABP is on the minus strand). VCF-style: chr1-185301455-C-T. GRCh37 (hg19) VCF-style: chr1-185270587-C-T.
Other names: short protein forms V292I.
Identifiers: ClinVar variation 2639643 (VCV002639643.24), dbSNP rs767158444, ClinGen allele CA1290505.